The following is an entry in ClinVar:

ClinVar aggregate classification (germline): Benign/Likely benign. Review status: criteria provided, multiple submitters, no conflicts (2 of 4 stars). 4 submissions from 4 submitters: Benign (2); Likely benign (2). Last evaluated 2026-07-15.

Conditions:
Hereditary cancer-predisposing syndrome. Also called: Hereditary neoplastic syndrome; Neoplastic Syndromes, Hereditary; Tumor predisposition; Hereditary Cancer Syndrome. Identifiers: Orphanet 140162, MedGen C0027672, MeSH D009386, MONDO:0015356.
Rhabdoid tumor predisposition syndrome 2 (RTPS2). Identifiers: Orphanet 231108, Orphanet 69077, MedGen C2750074, MONDO:0013224, OMIM 613325.

Allele frequency attached by ClinVar (database versions not stated): gnomAD 0.00001; gnomAD exomes 0.00002 and 0.00004; ExAC 0.00004; 1000 Genomes Project 30x 0.00016; TOPMed below 0.00001.
gnomAD v4.1: 36 of 1,613,182 alleles (0.0022%); highest among the groups gnomAD compares: South Asian, 0.038%; no homozygotes.

Submissions (4):

Myriad Genetics, Inc.
Classification: Benign for Rhabdoid tumor predisposition syndrome 2. Last evaluated: 2026-07-15. Review status: criteria provided, single submitter. Criteria: Myriad Autosomal Dominant, Autosomal Recessive and X-Linked Classification Criteria (2023). Collection method: clinical testing. Allele origin: unknown.
Comment: This variant is considered benign. This variant is a silent/synonymous amino acid change and it is not expected to impact splicing.

Labcorp Genetics (formerly Invitae), Labcorp
Classification: Likely benign for Rhabdoid tumor predisposition syndrome 2. Last evaluated: 2026-01-28. Review status: criteria provided, single submitter. Criteria: Invitae Variant Classification Sherloc (09022015). Collection method: clinical testing. Allele origin: germline.

Sema4
Classification: Benign for Hereditary cancer-predisposing syndrome. Last evaluated: 2021-05-20. Review status: criteria provided, single submitter. Criteria: Sema4 Curation Guidelines. Collection method: curation. Allele origin: germline.

Ambry Genetics
Classification: Likely benign for Hereditary cancer-predisposing syndrome. Last evaluated: 2019-06-26. Review status: criteria provided, single submitter. Criteria: Ambry Variant Classification Scheme 2023. Collection method: clinical testing. Allele origin: germline.

NM_003072.5(SMARCA4):c.3747C>T (p.Ala1249=)

Gene: SMARCA4 (SWI/SNF related BAF chromatin remodeling complex subunit ATPase 4; plus strand). Cytogenetic location: 19p13.2.
Variant type: single nucleotide variant.
Coding change: c.3747C>T on transcript NM_003072.5 (MANE Select); coding-DNA position 3747, C replaced by T.
Protein change: p.Ala1249=; no amino-acid change (alanine 1249 retained).
Molecular consequence: synonymous variant. On other transcripts: non-coding transcript variant (1).
Genome position (GRCh38, 1-based): chr19:11,033,490, C>T. VCF-style: chr19-11033490-C-T. GRCh37 (hg19) VCF-style: chr19-11144166-C-T.
Other names: c.3747C>T, p.Ala1249= (NM_001128844.3, NM_001128845.2, NM_001128846.2 and 4 more transcripts).
Identifiers: ClinVar variation 703216 (VCV000703216.17), dbSNP rs778654099, ClinGen allele CA9204495.